The following is an entry in ClinVar:

ClinVar aggregate classification (germline): Uncertain significance. Review status: criteria provided, multiple submitters, no conflicts (2 of 4 stars). 4 submissions from 4 submitters: Uncertain significance (4). Last evaluated 2024-12-02.

Conditions:
Brugada syndrome. Also called: Sudden unexpected nocturnal death syndrome; Sudden Unexplained Death Syndrome; Sudden Unexplained Nocturnal Death Syndrome (SUNDS); Sudden unexplained nocturnal death syndrome. Identifiers: Orphanet 130, MedGen C1142166, MONDO:0015263.
Cardiovascular phenotype. Identifiers: MedGen CN230736.

Allele frequency attached by ClinVar (database versions not stated): TOPMed below 0.00001; ExAC 0.00001; gnomAD exomes 0.00001.
gnomAD v4.1: 25 of 1,614,246 alleles (0.0015%); highest among the groups gnomAD compares: Admixed American, 0.0033%; no homozygotes.

Submissions (4):

Labcorp Genetics (formerly Invitae), Labcorp
Classification: Uncertain significance for Brugada syndrome. Last evaluated: 2024-12-02. Review status: criteria provided, single submitter. Criteria: Invitae Variant Classification Sherloc (09022015). Collection method: clinical testing. Allele origin: germline.
Comment: This sequence change replaces aspartic acid, which is acidic and polar, with asparagine, which is neutral and polar, at codon 904 of the SCN10A protein (p.Asp904Asn). This variant is present in population databases (rs774493534, gnomAD 0.003%). This variant has not been reported in the literature in individuals affected with SCN10A-related conditions. ClinVar contains an entry for this variant (Variation ID: 1377091). Invitae Evidence Modeling of protein sequence and biophysical properties (such as structural, functional, and spatial information, amino acid conservation, physicochemical variation, residue mobility, and thermodynamic stability) indicates that this missense variant is expected to disrupt SCN10A protein function with a positive predictive value of 80%. In summary, the available evidence is currently insufficient to determine the role of this variant in disease. Therefore, it has been classified as a Variant of Uncertain Significance.

GeneDx
Classification: Uncertain significance. Last evaluated: 2024-10-30. Review status: criteria provided, single submitter. Criteria: GeneDx Variant Classification Process June 2021. Collection method: clinical testing. Allele origin: germline. Affected: yes.
Comment: Has not been previously published as pathogenic or benign to our knowledge; Not observed at significant frequency in large population cohorts (gnomAD); In silico analysis supports that this missense variant has a deleterious effect on protein structure/function

CeGaT Center for Human Genetics Tuebingen
Classification: Uncertain significance. Last evaluated: 2024-08-01. Review status: criteria provided, single submitter. Criteria: CeGaT Center For Human Genetics Tuebingen Variant Classification Criteria Version 2. Collection method: clinical testing. Allele origin: germline. Affected: yes. Observed: 1 variant allele.

Ambry Genetics
Classification: Uncertain significance for Cardiovascular phenotype. Last evaluated: 2021-06-23. Review status: criteria provided, single submitter. Criteria: Ambry Variant Classification Scheme 2023. Collection method: clinical testing. Allele origin: germline.
Comment: The p.D904N variant (also known as c.2710G>A), located in coding exon 16 of the SCN10A gene, results from a G to A substitution at nucleotide position 2710. The aspartic acid at codon 904 is replaced by asparagine, an amino acid with highly similar properties. This amino acid position is conserved. In addition, the in silico prediction for this alteration is inconclusive. Since supporting evidence is limited at this time, the clinical significance of this alteration remains unclear.

NM_006514.4(SCN10A):c.2710G>A (p.Asp904Asn)

Gene: SCN10A (sodium voltage-gated channel alpha subunit 10; minus strand). Cytogenetic location: 3p22.2.
Variant type: single nucleotide variant.
Coding change: c.2710G>A on transcript NM_006514.4 (MANE Select); coding-DNA position 2710, G replaced by A.
Protein change: p.Asp904Asn; replaces aspartic acid 904 with asparagine.
Molecular consequence: missense variant.
Genome position (GRCh38, 1-based): chr3:38,726,983, C>T on the plus strand (G>A on the coding strand, the complement: SCN10A is on the minus strand). VCF-style: chr3-38726983-C-T. GRCh37 (hg19) VCF-style: chr3-38768474-C-T.
Other names: c.2710G>A, p.Asp904Asn (NM_001293306.2); c.2416G>A, p.Asp806Asn (NM_001293307.2); short protein forms D806N, D904N.
Identifiers: ClinVar variation 1377091 (VCV001377091.24), dbSNP rs774493534, ClinGen allele CA2320449.